The following is an entry in ClinVar:

ClinVar aggregate classification (germline): Pathogenic/Likely pathogenic. Review status: criteria provided, multiple submitters, no conflicts (2 of 4 stars). 2 submissions from 2 submitters: Pathogenic (1); Likely pathogenic (1). Last evaluated 2025-12-30.

Conditions:
Meckel-Gruber syndrome. Also called: Dysencephalia splachnocystica; DYSENCEPHALIA SPLANCHNOCYSTICA; GRUBER SYNDROME. Identifiers: Orphanet 564, MedGen C0265215, MONDO:0018921.
Joubert syndrome. Also called: Familial aplasia of the vermis; CEREBELLOPARENCHYMAL DISORDER IV; JOUBERT-BOLTSHAUSER SYNDROME. Identifiers: Orphanet 475, MedGen C5979921, MONDO:0018772.

Submissions (2):

Natera, Inc.
Classification: Likely pathogenic for Joubert syndrome. Last evaluated: 2025-12-30. Review status: criteria provided, single submitter. Criteria: Natera Variant Classification Schema (03/2026). Collection method: clinical testing. Allele origin: germline.
Comment: The c.1278del variant in RPGRIP1L is a frameshift variant predicted to shift the reading frame beginning at codon 426 and leads to a stop codon 20 codons downstream. This variant is expected to result in nonsense mediated decay, truncation, or a dysfunctional protein product. This variant is rare in the general population with a frequency below the threshold expected for the associated phenotype(s). Given the available evidence, this variant is classified as Likely Pathogenic.

Labcorp Genetics (formerly Invitae), Labcorp
Classification: Pathogenic for Joubert syndrome; Meckel-Gruber syndrome. Last evaluated: 2019-08-03. Review status: criteria provided, single submitter. Criteria: Invitae Variant Classification Sherloc (09022015). Collection method: clinical testing. Allele origin: germline.
Comment: For these reasons, this variant has been classified as Pathogenic. Loss-of-function variants in RPGRIP1L are known to be pathogenic (PMID: 17558409). This sequence change creates a premature translational stop signal (p.Glu426Aspfs*20) in the RPGRIP1L gene. It is expected to result in an absent or disrupted protein product. This variant is not present in population databases (ExAC no frequency). This variant has not been reported in the literature in individuals with RPGRIP1L-related conditions.

Literature cited by the submitters: PubMed 17558409 (cited by Labcorp Genetics (formerly Invitae), Labcorp).

NM_015272.5(RPGRIP1L):c.1278del (p.Glu426fs)

Gene: RPGRIP1L (RPGRIP1 like; minus strand). Cytogenetic location: 16q12.2.
Variant type: Deletion.
Coding change: c.1278del on transcript NM_015272.5 (MANE Select); coding-DNA position 1278, one base deleted (A; older notation c.1278delA).
Protein change: p.Glu426fs; shifts the reading frame from glutamic acid 426.
Molecular consequence: frameshift variant.
Genome position (GRCh38, 1-based): chr16:53,658,844, T deleted on the plus strand (A on the coding strand, the reverse complement: RPGRIP1L is on the minus strand); the first of 2 consecutive T bases (chr16:53,658,844-53,658,845); deleting either gives the same sequence. VCF-style (leftmost placement, unchanged base first): chr16-53658843-GT-G. GRCh37 (hg19) VCF-style: chr16-53692755-GT-G.
Other names: c.1278del (NM_015272.4); c.1278del, p.Glu426fs (NM_001127897.4, NM_001308334.3, NM_001330538.2); short protein forms E426fs.
Identifiers: ClinVar variation 948049 (VCV000948049.9), dbSNP rs1967510088, ClinGen allele CA1139664697.